The following is an entry in ClinVar:

ClinVar aggregate classification (germline): Pathogenic (1 of 4 stars; one submission).

Conditions:
Spermatogenic Failure. Identifiers: MedGen C3553794, MONDO:0004983.

Submission:

Conrad Lab, Oregon Health and Science University
Classification: Pathogenic for Spermatogenic Failure. Last evaluated: 2026-09-29. Review status: criteria provided, single submitter. Criteria: ACMG Guidelines, 2015. Collection method: research. Allele origin: germline. Affected: yes. Observed: 1 variant allele. Study: GEMINI.
Comment: The submitted Pathogenic classification reflects the manuscript and author interpretation of this gene-disrupting event. The supplied materials do not provide a detailed variant-level evidence score, segregation evidence or event-specific experimental validation. Coordinates are minimum bounds. Observation in an affected individual alone does not establish causality.

Single allele

Gene: RBBP7 (RB binding protein 7, chromatin remodeling factor; minus strand). Cytogenetic location: Xp22.2.
Variant type: Deletion.
Identifiers: ClinVar variation 5021150 (VCV005021150.1).